The following is an entry in ClinVar:

ClinVar aggregate classification (germline): Uncertain significance (1 of 4 stars; one submission).

Submission:

Labcorp Genetics (formerly Invitae), Labcorp
Classification: Uncertain significance. Last evaluated: 2022-11-08. Review status: criteria provided, single submitter. Criteria: Invitae Variant Classification Sherloc (09022015). Collection method: clinical testing. Allele origin: germline.
Comment: Advanced modeling of protein sequence and biophysical properties (such as structural, functional, and spatial information, amino acid conservation, physicochemical variation, residue mobility, and thermodynamic stability) performed at Invitae indicates that this missense variant is expected to disrupt ALPK1 protein function. This sequence change replaces leucine, which is neutral and non-polar, with phenylalanine, which is neutral and non-polar, at codon 456 of the ALPK1 protein (p.Leu456Phe). This variant is not present in population databases (gnomAD no frequency). This variant has not been reported in the literature in individuals affected with ALPK1-related conditions. In summary, the available evidence is currently insufficient to determine the role of this variant in disease. Therefore, it has been classified as a Variant of Uncertain Significance.

NM_025144.4(ALPK1):c.1366C>T (p.Leu456Phe)

Gene: ALPK1 (alpha kinase 1; plus strand). Cytogenetic location: 4q25.
Variant type: single nucleotide variant.
Coding change: c.1366C>T on transcript NM_025144.4 (MANE Select); coding-DNA position 1366, C replaced by T.
Protein change: p.Leu456Phe; replaces leucine 456 with phenylalanine.
Molecular consequence: missense variant.
Genome position (GRCh38, 1-based): chr4:112,430,913, C>T. VCF-style: chr4-112430913-C-T. GRCh37 (hg19) VCF-style: chr4-113352069-C-T.
Other names: c.1366C>T, p.Leu456Phe (NM_001102406.2); c.1132C>T, p.Leu378Phe (NM_001253884.2); short protein forms L378F, L456F.
Identifiers: ClinVar variation 2812936 (VCV002812936.3), dbSNP rs868147077, ClinGen allele CA103762950.